The following is an entry in ClinVar:

ClinVar aggregate classification (germline): Benign. Review status: criteria provided, multiple submitters, no conflicts (2 of 4 stars). 3 submissions from 3 submitters: Benign (3). Last evaluated 2021-07-14.

Conditions:
Autosomal recessive ataxia due to ubiquinone deficiency. Also called: SPINOCEREBELLAR ATAXIA, AUTOSOMAL RECESSIVE 9; Coenzyme Q10 deficiency, primary, 4. Identifiers: Orphanet 139485, MedGen C2677589, MONDO:0012784, OMIM 612016.

Allele frequency attached by ClinVar (database versions not stated): 1000 Genomes Project 0.26957; 1000 Genomes Project 30x 0.27639; TOPMed 0.37318; gnomAD 0.37597 and 0.38619; ESP Exome Variant Server 0.41388; gnomAD exomes 0.42904.
gnomAD v4.1: 672,144 of 1,586,932 alleles (42%); highest among the groups gnomAD compares: Non-Finnish European, 47%; 149,276 homozygotes.

Submissions (3):

Genome-Nilou Lab
Classification: Benign for Autosomal recessive ataxia due to ubiquinone deficiency. Last evaluated: 2021-07-14. Review status: criteria provided, single submitter. Criteria: ACMG Guidelines, 2015. Collection method: clinical testing. Allele origin: germline. Affected: no.

GeneDx
Classification: Benign. Last evaluated: 2018-06-14. Review status: criteria provided, single submitter. Criteria: GeneDx Variant Classification (06012015). Collection method: clinical testing. Allele origin: germline. Affected: yes.
Comment: This variant is considered likely benign or benign based on one or more of the following criteria: it is a conservative change, it occurs at a poorly conserved position in the protein, it is predicted to be benign by multiple in silico algorithms, and/or has population frequency not consistent with disease.

Breakthrough Genomics
Classification: Benign. Review status: criteria provided, single submitter. Criteria: ACMG Guidelines, 2015. Collection method: not provided. Allele origin: germline. Inheritance: Autosomal recessive inheritance. Affected: yes.

NM_020247.5(COQ8A):c.1573-52G>A

Gene: COQ8A (coenzyme Q8A; plus strand). Cytogenetic location: 1q42.13.
Variant type: single nucleotide variant.
Coding change: c.1573-52G>A on transcript NM_020247.5 (MANE Select); 52 bases into the intron before coding-DNA position 1573, G replaced by A.
Molecular consequence: intron variant.
Genome position (GRCh38, 1-based): chr1:226,985,202, G>A. VCF-style: chr1-226985202-G-A. GRCh37 (hg19) VCF-style: chr1-227172903-G-A.
Identifiers: ClinVar variation 676090 (VCV000676090.5), dbSNP rs2297415, ClinGen allele CA10704027.